The following is an entry in ClinVar:

NM_033305.3(VPS13A):c.386-2A>G

Gene: VPS13A (vacuolar protein sorting 13 homolog A; plus strand). Cytogenetic location: 9q21.2.
Variant type: single nucleotide variant.
Coding change: c.386-2A>G on transcript NM_033305.3 (MANE Select); the canonical splice acceptor site of the intron before coding-DNA position 386, A replaced by G.
Molecular consequence: splice acceptor variant.
Genome position (GRCh38, 1-based): chr9:77,209,421, A>G. VCF-style: chr9-77209421-A-G. GRCh37 (hg19) VCF-style: chr9-79824337-A-G.
Other names: c.386-2A>G (NM_001018037.2, NM_015186.4, NM_001018038.3).
Identifiers: ClinVar variation 1504982 (VCV001504982.7), dbSNP rs2131140222, ClinGen allele CA373842101.

ClinVar aggregate classification (germline): Likely pathogenic. Review status: criteria provided, multiple submitters, no conflicts (2 of 4 stars). 2 submissions from 2 submitters: Likely pathogenic (2). Last evaluated 2024-03-31.

Conditions:
VPS13A-related neurodegenerative disease. Also called: Choreoacanthocytosis; Chorea-acanthocytosis; VPS13A Disease; Choreaacanthocytosis; ACANTHOCYTOSIS WITH NEUROLOGIC DISORDER; LEVINE-CRITCHLEY SYNDROME. Identifiers: Orphanet 2388, MedGen C0393576, MONDO:0008695, OMIM 200150.

Submissions (2):

Fulgent Genetics
Classification: Likely pathogenic for VPS13A-related neurodegenerative disease. Last evaluated: 2024-03-31. Review status: criteria provided, single submitter. Criteria: ACMG Guidelines, 2015. Collection method: clinical testing. Allele origin: germline.

Labcorp Genetics (formerly Invitae), Labcorp
Classification: Likely pathogenic. Last evaluated: 2021-10-03. Review status: criteria provided, single submitter. Criteria: Invitae Variant Classification Sherloc (09022015). Collection method: clinical testing. Allele origin: germline.
Comment: This sequence change affects an acceptor splice site in intron 5 of the VPS13A gene. It is expected to disrupt RNA splicing. Variants that disrupt the donor or acceptor splice site typically lead to a loss of protein function (PMID: 16199547), and loss-of-function variants in VPS13A are known to be pathogenic (PMID: 12404112, 21598378). This variant is not present in population databases (ExAC no frequency). This variant has not been reported in the literature in individuals affected with VPS13A-related conditions. Algorithms developed to predict the effect of sequence changes on RNA splicing suggest that this variant may disrupt the consensus splice site. In summary, the currently available evidence indicates that the variant is pathogenic, but additional data are needed to prove that conclusively. Therefore, this variant has been classified as Likely Pathogenic.

Literature cited by the submitters: PubMed 16199547 (cited by Labcorp Genetics (formerly Invitae), Labcorp); PubMed 12404112 (cited by Labcorp Genetics (formerly Invitae), Labcorp); PubMed 21598378 (cited by Labcorp Genetics (formerly Invitae), Labcorp).